The following is an entry in ClinVar:

ClinVar aggregate classification (germline): Likely benign (1 of 4 stars; one submission).

Allele frequency attached by ClinVar (database versions not stated): ExAC 0.00001; ESP Exome Variant Server 0.00015.
gnomAD v4.1: 17 of 1,613,878 alleles (0.0011%); highest among the groups gnomAD compares: Non-Finnish European, 0.0014%; 1 homozygote.

Submission:

CeGaT Center for Human Genetics Tuebingen
Classification: Likely benign. Last evaluated: 2022-08-01. Review status: criteria provided, single submitter. Criteria: CeGaT Center For Human Genetics Tuebingen Variant Classification Criteria Version 2. Collection method: clinical testing. Allele origin: germline. Affected: yes. Observed: 1 variant allele.
Comment: ANKRD11: BP4

NM_013275.6(ANKRD11):c.104C>T (p.Ser35Phe)

Gene: ANKRD11 (ankyrin repeat domain 11; minus strand). Cytogenetic location: 16q24.3.
Variant type: single nucleotide variant.
Coding change: c.104C>T on transcript NM_013275.6 (MANE Select); coding-DNA position 104, C replaced by T.
Protein change: p.Ser35Phe; replaces serine 35 with phenylalanine.
Molecular consequence: missense variant. On other transcripts: non-coding transcript variant (1).
Genome position (GRCh38, 1-based): chr16:89,305,328, G>A on the plus strand (C>T on the coding strand, the complement: ANKRD11 is on the minus strand). VCF-style: chr16-89305328-G-A. GRCh37 (hg19) VCF-style: chr16-89371736-G-A.
Other names: c.104C>T, p.Ser35Phe (NM_001256182.2, NM_001256183.2); short protein forms S35F.
Identifiers: ClinVar variation 2647102 (VCV002647102.24), dbSNP rs376244874, ClinGen allele CA8243225.